The following is an entry in ClinVar:

ClinVar aggregate classification (germline): Uncertain significance (1 of 4 stars; one submission).

Conditions:
DICER1-related tumor predisposition. Also called: DICER1 syndrome; DICER1-related pleuropulmonary blastoma cancer predisposition syndrome. Identifiers: Orphanet 284343, MedGen C3839822, MONDO:0100216.

Submission:

Labcorp Genetics (formerly Invitae), Labcorp
Classification: Uncertain significance for DICER1-related tumor predisposition. Last evaluated: 2023-02-15. Review status: criteria provided, single submitter. Criteria: Invitae Variant Classification Sherloc (09022015). Collection method: clinical testing. Allele origin: germline.
Comment: This variant has not been reported in the literature in individuals affected with DICER1-related conditions. ClinVar contains an entry for this variant (Variation ID: 1508826). An algorithm developed to predict the effect of missense changes on protein structure and function (PolyPhen-2) suggests that this variant is likely to be disruptive. In summary, the available evidence is currently insufficient to determine the role of this variant in disease. Therefore, it has been classified as a Variant of Uncertain Significance. This variant is not present in population databases (gnomAD no frequency). This sequence change replaces serine, which is neutral and polar, with glycine, which is neutral and non-polar, at codon 1823 of the DICER1 protein (p.Ser1823Gly).

NM_177438.3(DICER1):c.5467A>G (p.Ser1823Gly)

Gene: DICER1 (dicer 1, ribonuclease III; minus strand). Cytogenetic location: 14q32.13.
Variant type: single nucleotide variant.
Coding change: c.5467A>G on transcript NM_177438.3 (MANE Select); coding-DNA position 5467, A replaced by G.
Protein change: p.Ser1823Gly; replaces serine 1823 with glycine.
Molecular consequence: missense variant. On other transcripts: intron variant (1).
Genome position (GRCh38, 1-based): chr14:95,091,263, T>C on the plus strand (A>G on the coding strand, the complement: DICER1 is on the minus strand). VCF-style: chr14-95091263-T-C. GRCh37 (hg19) VCF-style: chr14-95557600-T-C.
Other names: c.5467A>G, p.Ser1823Gly (NM_001271282.3, NM_001291628.2, NM_030621.4); c.5365-154A>G (NM_001195573.1); short protein forms S1823G.
Identifiers: ClinVar variation 1508826 (VCV001508826.7), dbSNP rs2139777336, ClinGen allele CA390864589.